The following is an entry in ClinVar:

ClinVar aggregate classification (germline): Uncertain significance (1 of 4 stars; one submission).

Conditions:
Hereditary breast ovarian cancer syndrome. Also called: Hereditary breast and/or ovarian cancer syndrome; Hereditary breast and ovarian cancer syndrome; Breast and ovarian cancer; Hereditary breast and ovarian cancer syndrome (HBOC); BRCA1- and BRCA2-Associated Hereditary Breast and Ovarian Cancer; Hereditary breast and ovarian cancer. Identifiers: Orphanet 145, MedGen C0677776, MeSH D061325, MONDO:0003582. Disease mechanism: loss of function.

Submission:

Labcorp Genetics (formerly Invitae), Labcorp
Classification: Uncertain significance for Hereditary breast ovarian cancer syndrome. Last evaluated: 2025-10-13. Review status: criteria provided, single submitter. Criteria: Invitae Variant Classification Sherloc (09022015). Collection method: clinical testing. Allele origin: germline.
Comment: This variant occurs in a non-coding region of the BRCA2 gene. It does not change the encoded amino acid sequence of the BRCA2 protein. This variant is not present in population databases (gnomAD no frequency). This variant has not been reported in the literature in individuals affected with BRCA2-related conditions. RNA analysis provides insufficient evidence to determine the effect of this variant on BRCA2 splicing (internal data). In summary, the available evidence is currently insufficient to determine the role of this variant in disease. Therefore, it has been classified as a Variant of Uncertain Significance.

NM_000059.4(BRCA2):c.-39-12T>G

Gene: BRCA2 (BRCA2 DNA repair associated; plus strand). Cytogenetic location: 13q13.1.
Variant type: single nucleotide variant.
Coding change: c.-39-12T>G on transcript NM_000059.4 (MANE Select); 12 bases into the intron before 39 bases upstream of the start codon, T replaced by G.
Molecular consequence: intron variant.
Genome position (GRCh38, 1-based): chr13:32,316,410, T>G. VCF-style: chr13-32316410-T-G. GRCh37 (hg19) VCF-style: chr13-32890547-T-G.
Other names: c.-39-12T>G (NM_001432077.1, NM_001406720.1, NM_001406719.1 and 1 more transcripts); c.-303+743T>G (NM_001406722.1).
Identifiers: ClinVar variation 4727279 (VCV004727279.1).